The following is an entry in ClinVar:

NM_017570.5(OPLAH):c.2473G>A (p.Gly825Arg)

Gene: OPLAH (5-oxoprolinase, ATP-hydrolysing; minus strand). Cytogenetic location: 8q24.3.
Variant type: single nucleotide variant.
Coding change: c.2473G>A on transcript NM_017570.5 (MANE Select); coding-DNA position 2473, G replaced by A.
Protein change: p.Gly825Arg; replaces glycine 825 with arginine.
Molecular consequence: missense variant.
Genome position (GRCh38, 1-based): chr8:144,054,850, C>T on the plus strand (G>A on the coding strand, the complement: OPLAH is on the minus strand). VCF-style: chr8-144054850-C-T. GRCh37 (hg19) VCF-style: chr8-145109753-C-T.
Other names: short protein forms G825R.
Identifiers: ClinVar variation 578462 (VCV000578462.21), dbSNP rs11777194, ClinGen allele CA4931458.

ClinVar aggregate classification (germline): Conflicting classifications of pathogenicity. Review status: criteria provided, conflicting classifications (1 of 4 stars). 5 submissions from 5 submitters: Uncertain significance (4); Likely benign (1). Last evaluated 2026-01-12.

Conditions:
OPLAH-related disorder. Also called: OPLAH-related condition.
5-Oxoprolinase deficiency (OPLAHD). Also called: 5-OXOPROLINURIA DUE TO 5-OXOPROLINASE DEFICIENCY. Identifiers: Orphanet 33572, MedGen C0268525, MONDO:0009825, OMIM 260005, HP:0040142.

Allele frequency attached by ClinVar (database versions not stated): ESP Exome Variant Server 0.00117; ExAC 0.00134; gnomAD exomes 0.00150; gnomAD 0.00168 and 0.00176; TOPMed 0.00179; 1000 Genomes Project 0.00100; 1000 Genomes Project 30x 0.00109.
gnomAD v4.1: 3,762 of 1,612,044 alleles (0.23%); highest among the groups gnomAD compares: Non-Finnish European, 0.29%; 7 homozygotes.

Submissions (5):

Labcorp Genetics (formerly Invitae), Labcorp
Classification: Uncertain significance for 5-Oxoprolinase deficiency. Last evaluated: 2026-01-12. Review status: criteria provided, single submitter. Criteria: Invitae Variant Classification Sherloc (09022015). Collection method: clinical testing. Allele origin: germline.
Comment: This sequence change replaces glycine, which is neutral and non-polar, with arginine, which is basic and polar, at codon 825 of the OPLAH protein (p.Gly825Arg). This variant is present in population databases (rs11777194, gnomAD 0.2%), and has an allele count higher than expected for a pathogenic variant. This missense change has been observed in individual(s) with 5-oxoprolinuria (PMID: 27477828; internal data). ClinVar contains an entry for this variant (Variation ID: 578462). An algorithm developed to predict the effect of missense changes on protein structure and function (PolyPhen-2) suggests that this variant is likely to be disruptive. In summary, the available evidence is currently insufficient to determine the role of this variant in disease. Therefore, it has been classified as a Variant of Uncertain Significance.

PreventionGenetics, part of Exact Sciences
Classification: Uncertain significance for OPLAH-related condition. Last evaluated: 2025-09-23. Review status: criteria provided, single submitter. Criteria: ACMG Guidelines, 2015. Collection method: clinical testing. Allele origin: germline.
Comment: The OPLAH c.2473G>A variant is predicted to result in the amino acid substitution p.Gly825Arg. This variant was reported along with another variants in OPLAH in an individual with features of 5-oxoprolinase deficiency (Sass et al. 2016. PubMed ID: 27477828; Kars et al. 2021. PubMed ID: 34426522). This variant is reported in 0.25% of alleles in individuals of European (Non-Finnish) descent in gnomAD. In the most recent version of the gnomad database, this variant has been detected in 7 homozygotes. At this time, the clinical significance of this variant is uncertain due to the absence of conclusive functional and genetic evidence.

CeGaT Center for Human Genetics Tuebingen
Classification: Likely benign. Last evaluated: 2025-02-01. Review status: criteria provided, single submitter. Criteria: CeGaT Center For Human Genetics Tuebingen Variant Classification Criteria Version 2. Collection method: clinical testing. Allele origin: germline. Affected: yes. Observed: 1 variant allele.
Comment: OPLAH: BS2

GeneDx
Classification: Uncertain significance. Last evaluated: 2024-03-20. Review status: criteria provided, single submitter. Criteria: GeneDx Variant Classification Process June 2021. Collection method: clinical testing. Allele origin: germline. Affected: yes.
Comment: In silico analysis supports that this missense variant has a deleterious effect on protein structure/function; This variant is associated with the following publications: (PMID: 34426522, Kasapkara2024[CaseReport], 27477828)

Fulgent Genetics
Classification: Uncertain significance for 5-Oxoprolinase deficiency. Last evaluated: 2022-04-21. Review status: criteria provided, single submitter. Criteria: ACMG Guidelines, 2015. Collection method: clinical testing. Allele origin: unknown.

Literature cited by the submitters: PubMed 27477828 (cited by Labcorp Genetics (formerly Invitae), Labcorp).